The following is an entry in ClinVar:

ClinVar aggregate classification (germline): Uncertain significance (1 of 4 stars; one submission).

Submission:

Labcorp Genetics (formerly Invitae), Labcorp
Classification: Uncertain significance. Last evaluated: 2022-03-28. Review status: criteria provided, single submitter. Criteria: Invitae Variant Classification Sherloc (09022015). Collection method: clinical testing. Allele origin: germline.
Comment: In summary, the available evidence is currently insufficient to determine the role of this variant in disease. Therefore, it has been classified as a Variant of Uncertain Significance. Algorithms developed to predict the effect of missense changes on protein structure and function output the following: SIFT: "Tolerated"; PolyPhen-2: "Benign"; Align-GVGD: "Class C0". The threonine amino acid residue is found in multiple mammalian species, which suggests that this missense change does not adversely affect protein function. This sequence change replaces isoleucine, which is neutral and non-polar, with threonine, which is neutral and polar, at codon 187 of the LRAT protein (p.Ile187Thr). This variant is not present in population databases (gnomAD no frequency). This variant has not been reported in the literature in individuals affected with LRAT-related conditions.

NM_004744.5(LRAT):c.560T>C (p.Ile187Thr)

Gene: LRAT (lecithin retinol acyltransferase; plus strand). Cytogenetic location: 4q32.1.
Variant type: single nucleotide variant.
Coding change: c.560T>C on transcript NM_004744.5 (MANE Select); coding-DNA position 560, T replaced by C.
Protein change: p.Ile187Thr; replaces isoleucine 187 with threonine.
Molecular consequence: missense variant.
Genome position (GRCh38, 1-based): chr4:154,749,003, T>C. VCF-style: chr4-154749003-T-C. GRCh37 (hg19) VCF-style: chr4-155670155-T-C.
Other names: c.560T>C, p.Ile187Thr (NM_001301645.2); short protein forms I187T.
Identifiers: ClinVar variation 1983263 (VCV001983263.4), dbSNP rs2529983402, ClinGen allele CA358630971.